The following is an entry in ClinVar:

ClinVar aggregate classification (germline): Pathogenic (1 of 4 stars; one submission).

Submission:

Labcorp Genetics (formerly Invitae), Labcorp
Classification: Pathogenic. Last evaluated: 2023-11-13. Review status: criteria provided, single submitter. Criteria: Invitae Variant Classification Sherloc (09022015). Collection method: clinical testing. Allele origin: germline.
Comment: This sequence change creates a premature translational stop signal (p.Ser733Leufs*14) in the PROM1 gene. It is expected to result in an absent or disrupted protein product. Loss-of-function variants in PROM1 are known to be pathogenic (PMID: 17605048, 19718270, 24154662, 25474345). This variant is present in population databases (no rsID available, gnomAD 0.01%). This variant has not been reported in the literature in individuals affected with PROM1-related conditions. ClinVar contains an entry for this variant (Variation ID: 1071947). For these reasons, this variant has been classified as Pathogenic.

Literature cited by the submitters: PubMed 17605048; PubMed 19718270; PubMed 24154662; PubMed 25474345.

NM_006017.3(PROM1):c.2196del (p.Ser733fs)

Gene: PROM1 (prominin 1; minus strand). Cytogenetic location: 4p15.32.
Variant type: Deletion.
Coding change: c.2196del on transcript NM_006017.3 (MANE Select); coding-DNA position 2196, one base deleted (C; older notation c.2196delC).
Protein change: p.Ser733fs; shifts the reading frame from serine 733.
Molecular consequence: frameshift variant.
Genome position (GRCh38, 1-based): chr4:15,985,972, G deleted on the plus strand (C on the coding strand, the reverse complement: PROM1 is on the minus strand); the first of 2 consecutive G bases (chr4:15,985,972-15,985,973); deleting either gives the same sequence. VCF-style (leftmost placement, unchanged base first): chr4-15985971-AG-A. GRCh37 (hg19) VCF-style: chr4-15987594-AG-A.
Other names: c.2169del, p.Ser724fs (NM_001145847.2, NM_001145848.2, NM_001145851.2 and 4 more transcripts); c.2196del, p.Ser733fs (NM_001145849.2, NM_001145850.2); short protein forms S724fs, S733fs.
Identifiers: ClinVar variation 1071947 (VCV001071947.7), dbSNP rs1381481518, ClinGen allele CA549880434.
Genomic context (GRCh38, chr4:15,985,971, plus strand): 5'-CAAGTGCCCACTTATGGACACGCTTACTTTAAAAAAGAAGGCTCACCTCAATAATAACAG[AG>A]GAAGTATTGTTTGTGATGAAGTTCTGAGCAAAATCCAGAGAAGCTAGAATCCTAGTTACT-3'